The following is an entry in ClinVar:

ClinVar aggregate classification (germline): Uncertain significance (1 of 4 stars; one submission).

Conditions:
Cardiovascular phenotype. Identifiers: MedGen CN230736.

gnomAD v4.1: 6 of 1,611,306 alleles (0.00037%); highest among the groups gnomAD compares: African/African-American, 0.008%; no homozygotes.

Submission:

Ambry Genetics
Classification: Uncertain significance for Cardiovascular phenotype. Last evaluated: 2024-10-08. Review status: criteria provided, single submitter. Criteria: Ambry Variant Classification Scheme 2023. Collection method: clinical testing. Allele origin: germline.
Comment: The p.I2875V variant (also known as c.8623A>G), located in coding exon 33 of the AKAP9 gene, results from an A to G substitution at nucleotide position 8623. The isoleucine at codon 2875 is replaced by valine, an amino acid with highly similar properties. This amino acid position is conserved. In addition, this alteration is predicted to be tolerated by in silico analysis. Based on the available evidence, the clinical significance of this variant remains unclear.

NM_005751.5(AKAP9):c.8623A>G (p.Ile2875Val)

Gene: AKAP9 (A-kinase anchoring protein 9; plus strand). Cytogenetic location: 7q21.2.
Variant type: single nucleotide variant.
Coding change: c.8623A>G on transcript NM_005751.5 (MANE Select); coding-DNA position 8623, A replaced by G.
Protein change: p.Ile2875Val; replaces isoleucine 2875 with valine.
Molecular consequence: missense variant.
Genome position (GRCh38, 1-based): chr7:92,083,632, A>G. VCF-style: chr7-92083632-A-G. GRCh37 (hg19) VCF-style: chr7-91712946-A-G.
Other names: c.3268A>G, p.Ile1090Val (NM_001379277.1); c.8599A>G, p.Ile2867Val (NM_147185.3); short protein forms I2875V, I2867V, I1090V.
Identifiers: ClinVar variation 3516724 (VCV003516724.1).